The following is an entry in ClinVar:

ClinVar aggregate classification (germline): other (0 of 4 stars; one submission).

Conditions:
Familial colorectal cancer. Identifiers: MedGen CN280943, MONDO:0023113. Disease mechanism: loss of function.

Submission:

Systems Biology Platform Zhejiang California International NanoSystems Institute
Classification: other for Familial colorectal cancer. Review status: no assertion criteria provided. Collection method: not provided. Allele origin: unknown.
ClinVar note: Converted during submission from cancer to other.

NM_001127511.3(APC):c.165+27358A>G

Gene: APC (APC regulator of Wnt signaling pathway; plus strand). Cytogenetic location: 5q22.2.
Variant type: single nucleotide variant.
Coding change: c.165+27358A>G on transcript NM_001127511.3; 27358 bases into the intron after coding-DNA position 165, A replaced by G.
Molecular consequence: intron variant.
Genome position (GRCh38, 1-based): chr5:112,735,240, A>G. VCF-style: chr5-112735240-A-G. GRCh37 (hg19) VCF-style: chr5-112070937-A-G.
Other names: c.-1053-19633A>G (NM_001407470.1, NM_001407472.1); c.-18-19633A>G (NM_001407447.1, NM_001354895.2, NM_001407456.1 and 7 more transcripts); c.165+27358A>G (NM_001407446.1, NM_001354897.2, NM_001354902.2); c.-43+27591A>G (NM_001407453.1).
Identifiers: ClinVar variation 82725 (VCV000082725.4), dbSNP rs76319671, ClinGen allele CA023613.